The following is an entry in ClinVar:

NM_004055.5(CAPN5):c.481G>A (p.Ala161Thr)

Gene: CAPN5 (calpain 5; plus strand). Cytogenetic location: 11q13.5.
Variant type: single nucleotide variant.
Coding change: c.481G>A on transcript NM_004055.5 (MANE Select); coding-DNA position 481, G replaced by A.
Protein change: p.Ala161Thr; replaces alanine 161 with threonine.
Molecular consequence: missense variant.
Genome position (GRCh38, 1-based): chr11:77,112,772, G>A. VCF-style: chr11-77112772-G-A. GRCh37 (hg19) VCF-style: chr11-76823818-G-A.
Other names: c.481G>A (NM_004055.4); short protein forms A161T.
Identifiers: ClinVar variation 1052116 (VCV001052116.11), dbSNP rs145584161, ClinGen allele CA6196439.

ClinVar aggregate classification (germline): Uncertain significance. Review status: criteria provided, single submitter (1 of 4 stars). 2 submissions from 2 submitters: Uncertain significance (1). 1 of the submissions does not count toward it. Last evaluated 2025-05-04.

Conditions:
CAPN5-related disorder. Also called: CAPN5-related condition.

Allele frequency attached by ClinVar (database versions not stated): TOPMed 0.00003; gnomAD 0.00004 and 0.00005; gnomAD exomes 0.00004; ExAC 0.00008; ESP Exome Variant Server 0.00008.
gnomAD v4.1: 57 of 1,614,120 alleles (0.0035%); highest among the groups gnomAD compares: Non-Finnish European, 0.0044%; no homozygotes.

Submissions (2):

Labcorp Genetics (formerly Invitae), Labcorp
Classification: Uncertain significance. Last evaluated: 2025-05-04. Review status: criteria provided, single submitter. Criteria: Invitae Variant Classification Sherloc (09022015). Collection method: clinical testing. Allele origin: germline.
Comment: This sequence change replaces alanine, which is neutral and non-polar, with threonine, which is neutral and polar, at codon 161 of the CAPN5 protein (p.Ala161Thr). This variant is present in population databases (rs145584161, gnomAD 0.009%). This variant has not been reported in the literature in individuals affected with CAPN5-related conditions. ClinVar contains an entry for this variant (Variation ID: 1052116). Invitae Evidence Modeling of protein sequence and biophysical properties (such as structural, functional, and spatial information, amino acid conservation, physicochemical variation, residue mobility, and thermodynamic stability) indicates that this missense variant is expected to disrupt CAPN5 protein function with a positive predictive value of 80%. In summary, the available evidence is currently insufficient to determine the role of this variant in disease. Therefore, it has been classified as a Variant of Uncertain Significance.

PreventionGenetics, part of Exact Sciences
Classification: Uncertain significance for CAPN5-related condition. Last evaluated: 2024-04-18. Review status: no assertion criteria provided. Collection method: clinical testing. Allele origin: germline. Not counted in ClinVar's aggregate classification.
Comment: The CAPN5 c.481G>A variant is predicted to result in the amino acid substitution p.Ala161Thr. To our knowledge, this variant has not been reported in the literature. This variant is reported in 0.0085% of alleles in individuals of European (Non-Finnish) descent in gnomAD. At this time, the clinical significance of this variant is uncertain due to the absence of conclusive functional and genetic evidence.